The following is an entry in ClinVar:

NM_001395413.1(POR):c.514G>A (p.Gly172Ser)

Gene: POR (cytochrome p450 oxidoreductase; plus strand). Cytogenetic location: 7q11.23.
Variant type: single nucleotide variant.
Coding change: c.514G>A on transcript NM_001395413.1 (MANE Select); coding-DNA position 514, G replaced by A.
Protein change: p.Gly172Ser; replaces glycine 172 with serine.
Molecular consequence: missense variant.
Genome position (GRCh38, 1-based): chr7:75,981,054, G>A. VCF-style: chr7-75981054-G-A. GRCh37 (hg19) VCF-style: chr7-75610372-G-A.
Other names: c.523G>A, p.Gly175Ser (NM_000941.2, NM_000941.3); c.514G>A, p.Gly172Ser (NM_001367562.3, NM_001382657.2, NM_001382658.3 and 2 more transcripts); c.568G>A, p.Gly190Ser (NM_001382655.3); short protein forms G175S, G172S, G190S.
Identifiers: ClinVar variation 2051848 (VCV002051848.1), dbSNP rs564863959, ClinGen allele CA4303716.

ClinVar aggregate classification (germline): Uncertain significance (1 of 4 stars; one submission).

Conditions:
Congenital adrenal hyperplasia due to cytochrome P450 oxidoreductase deficiency. Also called: DISORDERED STEROIDOGENESIS DUE TO POR DEFICIENCY. Identifiers: Orphanet 95699, MedGen C1860042, MONDO:0013310, OMIM 613571.

Allele frequency attached by ClinVar (database versions not stated): gnomAD 0.00001; ExAC 0.00004; 1000 Genomes Project 30x 0.00016; 1000 Genomes Project 0.00020.
gnomAD v4.1: 2 of 1,573,502 alleles (0.00013%); highest among the groups gnomAD compares: Admixed American, 0.0036%; no homozygotes.

Submission:

Labcorp Genetics (formerly Invitae), Labcorp
Classification: Uncertain significance for Congenital adrenal hyperplasia due to cytochrome P450 oxidoreductase deficiency. Last evaluated: 2022-05-03. Review status: criteria provided, single submitter. Criteria: Invitae Variant Classification Sherloc (09022015). Collection method: clinical testing. Allele origin: germline.
Comment: This sequence change replaces glycine, which is neutral and non-polar, with serine, which is neutral and polar, at codon 175 of the POR protein (p.Gly175Ser). The frequency data for this variant in the population databases is considered unreliable, as metrics indicate poor data quality at this position in the gnomAD database. This variant has not been reported in the literature in individuals affected with POR-related conditions. Algorithms developed to predict the effect of missense changes on protein structure and function are either unavailable or do not agree on the potential impact of this missense change (SIFT: "Deleterious"; PolyPhen-2: "Possibly Damaging"; Align-GVGD: "Class C0"). Algorithms developed to predict the effect of sequence changes on RNA splicing suggest that this variant may create or strengthen a splice site. In summary, the available evidence is currently insufficient to determine the role of this variant in disease. Therefore, it has been classified as a Variant of Uncertain Significance.